The following is an entry in ClinVar:

ClinVar aggregate classification (germline): Benign/Likely benign. Review status: criteria provided, multiple submitters, no conflicts (2 of 4 stars). 3 submissions from 3 submitters: Benign (1); Likely benign (2). Last evaluated 2026-08-18.

Conditions:
Hereditary cancer-predisposing syndrome. Also called: Hereditary neoplastic syndrome; Neoplastic Syndromes, Hereditary; Tumor predisposition; Hereditary Cancer Syndrome. Identifiers: Orphanet 140162, MedGen C0027672, MeSH D009386, MONDO:0015356.
DICER1-related tumor predisposition. Also called: DICER1 syndrome; DICER1-related pleuropulmonary blastoma cancer predisposition syndrome. Identifiers: Orphanet 284343, MedGen C3839822, MONDO:0100216.

Submissions (3):

Myriad Genetics, Inc.
Classification: Benign for DICER1-related tumor predisposition. Last evaluated: 2026-08-18. Review status: criteria provided, single submitter. Criteria: Myriad Autosomal Dominant, Autosomal Recessive and X-Linked Classification Criteria (2023). Collection method: clinical testing. Allele origin: unknown.
Comment: This variant is considered benign. This variant is a silent/synonymous amino acid change and it is not expected to impact splicing.

Ambry Genetics
Classification: Likely benign for Hereditary cancer-predisposing syndrome. Last evaluated: 2021-02-04. Review status: criteria provided, single submitter. Criteria: Ambry Variant Classification Scheme 2023. Collection method: clinical testing. Allele origin: germline.

Labcorp Genetics (formerly Invitae), Labcorp
Classification: Likely benign for DICER1-related tumor predisposition. Last evaluated: 2018-07-16. Review status: criteria provided, single submitter. Criteria: Invitae Variant Classification Sherloc (09022015). Collection method: clinical testing. Allele origin: germline.

NM_177438.3(DICER1):c.5070C>G (p.Ala1690=)

Gene: DICER1 (dicer 1, ribonuclease III; minus strand). Cytogenetic location: 14q32.13.
Variant type: single nucleotide variant.
Coding change: c.5070C>G on transcript NM_177438.3 (MANE Select); coding-DNA position 5070, C replaced by G.
Protein change: p.Ala1690=; no amino-acid change (alanine 1690 retained).
Molecular consequence: synonymous variant.
Genome position (GRCh38, 1-based): chr14:95,095,850, G>C on the plus strand (C>G on the coding strand, the complement: DICER1 is on the minus strand). VCF-style: chr14-95095850-G-C. GRCh37 (hg19) VCF-style: chr14-95562187-G-C.
Other names: c.5070C>G, p.Ala1690= (NM_001195573.1, NM_001271282.3, NM_001291628.2 and 1 more transcripts).
Identifiers: ClinVar variation 763157 (VCV000763157.14), dbSNP rs1595337393, ClinGen allele CA487625671.